The following is an entry in ClinVar:

NM_002887.4(RARS1):c.7G>A (p.Val3Ile)

Gene: RARS1 (arginyl-tRNA synthetase 1; plus strand). Cytogenetic location: 5q34.
Variant type: single nucleotide variant.
Coding change: c.7G>A on transcript NM_002887.4 (MANE Select); coding-DNA position 7, G replaced by A.
Protein change: p.Val3Ile; replaces valine 3 with isoleucine.
Molecular consequence: missense variant.
Genome position (GRCh38, 1-based): chr5:168,486,505, G>A. VCF-style: chr5-168486505-G-A. GRCh37 (hg19) VCF-style: chr5-167913510-G-A.
Other names: p.Val3Ile; short protein forms V3I.
Identifiers: ClinVar variation 380030 (VCV000380030.15), dbSNP rs244903, ClinGen allele CA3549473.
Genomic context (GRCh38, chr5:168,486,505, plus strand): 5'-GAGGCTGACCGTTTCCGCTTCCGTCCACTTGGCGAGTGAGACGCTGATGGGAGGATGGAC[G>A]TACTGGTGTCTGAGTGCTCCGCGCGGCTGCTGCAGCAGGTTTGGACGCAGGAGACCGGCG-3'
Protein context (NP_002878.2, residues 1-13): MD[Val3Ile]LVSECSARLL

ClinVar aggregate classification (germline): Benign. Review status: criteria provided, multiple submitters, no conflicts (2 of 4 stars). 6 submissions from 6 submitters: Benign (6). Last evaluated 2026-02-03.

Conditions:
Leukodystrophy, hypomyelinating, 9. Identifiers: Orphanet 438114, MedGen C4015323, MONDO:0014506, OMIM 616140.

Allele frequency attached by ClinVar (database versions not stated): ESP Exome Variant Server 0.62038; gnomAD 0.62892 and 0.62998; TOPMed 0.64966; 1000 Genomes Project 0.68031; 1000 Genomes Project 30x 0.68613.
gnomAD v4.1: 892,105 of 1,558,010 alleles (57%); highest among the groups gnomAD compares: East Asian, 88%; 260,198 homozygotes.

Submissions (6):

Labcorp Genetics (formerly Invitae), Labcorp
Classification: Benign. Last evaluated: 2026-02-03. Review status: criteria provided, single submitter. Criteria: Invitae Variant Classification Sherloc (09022015). Collection method: clinical testing. Allele origin: germline.

Blueprint Genetics
Classification: Benign. Last evaluated: 2024-11-26. Review status: criteria provided, single submitter. Criteria: ACMG Guidelines, 2015. Collection method: clinical testing. Allele origin: germline.

Mayo Clinic Laboratories, Mayo Clinic
Classification: Benign. Last evaluated: 2022-10-27. Review status: criteria provided, single submitter. Criteria: ACMG Guidelines, 2015. Collection method: clinical testing. Allele origin: germline. Observed: 840 variant alleles.

Genome-Nilou Lab
Classification: Benign for Leukodystrophy, hypomyelinating, 9. Last evaluated: 2021-11-07. Review status: criteria provided, single submitter. Criteria: ACMG Guidelines, 2015. Collection method: clinical testing. Allele origin: germline. Affected: no.

Mendelics
Classification: Benign for Leukodystrophy, hypomyelinating, 9. Last evaluated: 2019-05-28. Review status: criteria provided, single submitter. Criteria: Mendelics Assertion Criteria 2017. Collection method: clinical testing. Allele origin: unknown.

GeneDx
Classification: Benign. Last evaluated: 2015-12-02. Review status: criteria provided, single submitter. Criteria: GeneDx Variant Classification (06012015). Collection method: clinical testing. Allele origin: germline. Affected: yes.
Comment: This variant is considered likely benign or benign based on one or more of the following criteria: it is a conservative change, it occurs at a poorly conserved position in the protein, it is predicted to be benign by multiple in silico algorithms, and/or has population frequency not consistent with disease.